The following is an entry in ClinVar:

NM_199242.3(UNC13D):c.1696C>G (p.Leu566Val)

Gene: UNC13D (unc-13 homolog D; minus strand). Cytogenetic location: 17q25.1.
Variant type: single nucleotide variant.
Coding change: c.1696C>G on transcript NM_199242.3 (MANE Select); coding-DNA position 1696, C replaced by G.
Protein change: p.Leu566Val; replaces leucine 566 with valine.
Molecular consequence: missense variant.
Genome position (GRCh38, 1-based): chr17:75,835,678, G>C on the plus strand (C>G on the coding strand, the complement: UNC13D is on the minus strand). VCF-style: chr17-75835678-G-C. GRCh37 (hg19) VCF-style: chr17-73831759-G-C.
Other names: short protein forms L566V.
Identifiers: ClinVar variation 968814 (VCV000968814.7), dbSNP rs1302541348, ClinGen allele CA401093819.
Genomic context (GRCh38, chr17:75,835,678, plus strand): 5'-CAGCCGCCCACAATTGGCCTGCTGCCCACCTCTCTGAGGAGCTCATGCGCAGCTGGCAGA[G>C]CTCCTTGAGGCTGATGTAGAGCTGGAACAGACTCTCGCCCATCTCTGGGGACACTACATC-3'
Protein context (NP_954712.1, residues 556-576): LFQLYISLKE[Leu566Val]CQLRMSSSER

ClinVar aggregate classification (germline): Uncertain significance (1 of 4 stars; one submission).

Conditions:
Familial hemophagocytic lymphohistiocytosis 3 (FHL3). Also called: UNC13D-Related Familial Hemophagocytic Lymphohistiocytosis (UNC13D-fHLH). Identifiers: Orphanet 540, MedGen C1837174, MONDO:0012146, OMIM 608898.

Allele frequency attached by ClinVar (database versions not stated): TOPMed 0.00001; gnomAD 0.00001; gnomAD exomes 0.00001.
gnomAD v4.1: 5 of 1,613,338 alleles (0.00031%); highest among the groups gnomAD compares: African/African-American, 0.0027%; no homozygotes.

Submission:

Labcorp Genetics (formerly Invitae), Labcorp
Classification: Uncertain significance for Familial hemophagocytic lymphohistiocytosis 3. Last evaluated: 2022-05-17. Review status: criteria provided, single submitter. Criteria: Invitae Variant Classification Sherloc (09022015). Collection method: clinical testing. Allele origin: germline.
Comment: This sequence change replaces leucine, which is neutral and non-polar, with valine, which is neutral and non-polar, at codon 566 of the UNC13D protein (p.Leu566Val). This variant is present in population databases (no rsID available, gnomAD 0.008%). This variant has not been reported in the literature in individuals affected with UNC13D-related conditions. ClinVar contains an entry for this variant (Variation ID: 968814). Algorithms developed to predict the effect of missense changes on protein structure and function are either unavailable or do not agree on the potential impact of this missense change (SIFT: "Not Available"; PolyPhen-2: "Benign"; Align-GVGD: "Not Available"). Algorithms developed to predict the effect of sequence changes on RNA splicing suggest that this variant may create or strengthen a splice site. In summary, the available evidence is currently insufficient to determine the role of this variant in disease. Therefore, it has been classified as a Variant of Uncertain Significance.